The following is an entry in ClinVar:

ClinVar aggregate classification (germline): Likely benign (0 of 4 stars; one submission).

Conditions:
BRWD1-related disorder. Also called: BRWD1-related condition.

Allele frequency attached by ClinVar (database versions not stated): 1000 Genomes Project 0.00140; 1000 Genomes Project 30x 0.00156; ExAC 0.00161; gnomAD 0.00196; ESP Exome Variant Server 0.00215.
gnomAD v4.1: 3,878 of 1,613,474 alleles (0.24%); highest among the groups gnomAD compares: Non-Finnish European, 0.3%; 9 homozygotes.

Submission:

PreventionGenetics, part of Exact Sciences
Classification: Likely benign for BRWD1-related condition. Last evaluated: 2019-04-30. Review status: no assertion criteria provided. Collection method: clinical testing. Allele origin: germline.
Comment: This variant is classified as likely benign based on ACMG/AMP sequence variant interpretation guidelines (Richards et al. 2015 PMID: 25741868, with internal and published modifications).

NM_033656.4(BRWD1):c.6467A>G (p.Lys2156Arg)

Gene: BRWD1 (bromodomain and WD repeat domain containing 1; minus strand). Cytogenetic location: 21q22.2.
Variant type: single nucleotide variant.
Coding change: c.6467A>G on transcript NM_033656.4 (MANE Select); coding-DNA position 6467, A replaced by G.
Protein change: p.Lys2156Arg; replaces lysine 2156 with arginine.
Molecular consequence: missense variant.
Genome position (GRCh38, 1-based): chr21:39,196,602, T>C on the plus strand (A>G on the coding strand, the complement: BRWD1 is on the minus strand). VCF-style: chr21-39196602-T-C. GRCh37 (hg19) VCF-style: chr21-40568528-T-C.
Other names: c.6467A>G, p.Lys2156Arg (NM_018963.5); short protein forms K2156R.
Identifiers: ClinVar variation 3038361 (VCV003038361.2), dbSNP rs2234548, ClinGen allele CA10026313.
Genomic context (GRCh38, chr21:39,196,602, plus strand): 5'-GTTTTTGTATTATCAGTACAGTCAATATCTGATTCAGTTACAGATCCCAAATCTGATGAT[T>C]TGGAACTAGTATCAGGTCTAAACTTTGAATTCCCAGTTGTTTCAGAGATTTTCACATTTT-3'
Protein context (NP_387505.1, residues 2146-2166): NSKFRPDTSS[Lys2156Arg]SSDLGSVTES